The following is an entry in ClinVar:

ClinVar aggregate classification (germline): Likely pathogenic. Review status: criteria provided, multiple submitters, no conflicts (2 of 4 stars). 2 submissions from 2 submitters: Likely pathogenic (2). Last evaluated 2018-09-07.

Conditions:
Autosomal recessive limb-girdle muscular dystrophy type 2B (LGMDR2). Also called: MUSCULAR DYSTROPHY, LIMB-GIRDLE, AUTOSOMAL RECESSIVE 2; Limb-girdle muscular dystrophy, type 2B; MUSCULAR DYSTROPHY, LIMB-GIRDLE, TYPE 3; Limb-Girdle Muscular Dystrophy Type 2B (LGMD2B). Identifiers: Orphanet 268, MedGen C1850889, MONDO:0009676, OMIM 253601.
Neuromuscular disease caused by qualitative or quantitative defects of dysferlin. Also called: Dysferlinopathy; Qualitative or quantitative defects of dysferlin. Identifiers: Orphanet 207073, MedGen C2931687, MONDO:0016145.

Allele frequency attached by ClinVar (database versions not stated): gnomAD exomes below 0.00001.

Submissions (2):

Laboratory for Molecular Medicine, Mass General Brigham Personalized Medicine
Classification: Likely pathogenic for Neuromuscular disease caused by qualitative or quantitative defects of dysferlin. Last evaluated: 2018-09-07. Review status: criteria provided, single submitter. Criteria: LMM Criteria. Collection method: clinical testing. Allele origin: germline. Inheritance: Autosomal recessive inheritance. Observed: 1 variant allele.
Comment: The p.Ile1884LeufsX121 variant in DYSF has not been reported in affected individ uals or large population studies. This variant is predicted to cause a frameshif t, which alters the protein?s amino acid sequence beginning at position 1884 and leads to a premature termination codon 121 amino acids downstream. This alterat ion is then predicted to lead to a truncated or absent protein. Biallelic loss o f function of the DYSF gene has been associated with limb-girdle muscular dystro phy type 2B or Miyoshi myopathy (dysferlinopathies). In summary, although additi onal studies are required to fully establish its clinical significance, the p.Il e1884LeufsX121 variant in DYSF is likely pathogenic. ACMG/AMP Criteria applied: PVS1, PM2.

Equipe Genetique des Anomalies du Developpement, Université de Bourgogne
Classification: Likely pathogenic for Autosomal recessive limb-girdle muscular dystrophy type 2B. Last evaluated: 2017-11-07. Review status: criteria provided, single submitter. Criteria: ACMG Guidelines, 2015. Collection method: clinical testing. Allele origin: unknown. Affected: yes. Study: Clinvar_gadteam_Clinical_exome_analysis_3.

NM_001130987.2(DYSF):c.5650del (p.Ile1884fs)

Gene: DYSF (dysferlin; plus strand). Cytogenetic location: 2p13.2.
Variant type: Deletion.
Coding change: c.5650del on transcript NM_001130987.2 (MANE Select); coding-DNA position 5650, one base deleted (A; older notation c.5650delA).
Protein change: p.Ile1884fs; shifts the reading frame from isoleucine 1884.
Molecular consequence: frameshift variant.
Genome position (GRCh38, 1-based): chr2:71,669,612, A deleted. VCF-style (leftmost placement, unchanged base first): chr2-71669611-GA-G. GRCh37 (hg19) VCF-style: chr2-71896741-GA-G.
Other names: c.5536del, p.Ile1846fs (NM_001130455.2); c.5491del, p.Ile1831fs (NM_001130976.2); c.5554del, p.Ile1852fs (NM_001130977.2); c.5596del, p.Ile1866fs (NM_001130978.2); c.5626del, p.Ile1876fs (NM_001130979.2); c.5584del, p.Ile1862fs (NM_001130980.2); c.5647del, p.Ile1883fs (NM_001130981.2); c.5629del, p.Ile1877fs (NM_001130982.2); and 5 more; short protein forms I1831fs, I1832fs, I1846fs, I1852fs, I1866fs, I1862fs, I1877fs, I1883fs.
Identifiers: ClinVar variation 559891 (VCV000559891.5), dbSNP rs1553416039, ClinGen allele CA658821130.